The following is an entry in ClinVar:

ClinVar aggregate classification (germline): Uncertain significance (1 of 4 stars; one submission).

Conditions:
Brachyolmia-amelogenesis imperfecta syndrome. Also called: Tooth agenesis, selective, 6; Dental anomalies and short stature; PLATYSPONDYLY WITH AMELOGENESIS IMPERFECTA. Identifiers: Orphanet 2899, MedGen C1832594, MONDO:0011018, OMIM 601216. Disease mechanism: loss of function.

Allele frequency attached by ClinVar (database versions not stated): gnomAD exomes 0.00001.
gnomAD v4.1: 6 of 1,611,548 alleles (0.00037%); highest among the groups gnomAD compares: Non-Finnish European, 0.00051%; no homozygotes.

Submission:

Labcorp Genetics (formerly Invitae), Labcorp
Classification: Uncertain significance for Brachyolmia-amelogenesis imperfecta syndrome. Last evaluated: 2023-04-27. Review status: criteria provided, single submitter. Criteria: Invitae Variant Classification Sherloc (09022015). Collection method: clinical testing. Allele origin: germline.
Comment: This sequence change replaces proline, which is neutral and non-polar, with alanine, which is neutral and non-polar, at codon 174 of the LTBP3 protein (p.Pro174Ala). This variant is not present in population databases (gnomAD no frequency). This variant has not been reported in the literature in individuals affected with LTBP3-related conditions. Algorithms developed to predict the effect of missense changes on protein structure and function output the following: SIFT: "Not Available"; PolyPhen-2: "Benign"; Align-GVGD: "Not Available". The alanine amino acid residue is found in multiple mammalian species, which suggests that this missense change does not adversely affect protein function. In summary, the available evidence is currently insufficient to determine the role of this variant in disease. Therefore, it has been classified as a Variant of Uncertain Significance.

NM_001130144.3(LTBP3):c.520C>G (p.Pro174Ala)

Gene: LTBP3 (latent transforming growth factor beta binding protein 3; minus strand). Cytogenetic location: 11q13.1.
Variant type: single nucleotide variant.
Coding change: c.520C>G on transcript NM_001130144.3 (MANE Select); coding-DNA position 520, C replaced by G.
Protein change: p.Pro174Ala; replaces proline 174 with alanine.
Molecular consequence: missense variant.
Genome position (GRCh38, 1-based): chr11:65,554,192, G>C on the plus strand (C>G on the coding strand, the complement: LTBP3 is on the minus strand). VCF-style: chr11-65554192-G-C. GRCh37 (hg19) VCF-style: chr11-65321663-G-C.
Other names: c.169C>G, p.Pro57Ala (NM_001164266.1); c.520C>G, p.Pro174Ala (NM_021070.4); short protein forms P174A, P57A.
Identifiers: ClinVar variation 2859771 (VCV002859771.3), dbSNP rs986774687, ClinGen allele CA381276465.